The following is an entry in ClinVar:

ClinVar aggregate classification (germline): Uncertain significance (1 of 4 stars; one submission).

Allele frequency attached by ClinVar (database versions not stated): gnomAD exomes below 0.00001.
gnomAD v4.1: 1 of 1,613,814 alleles (0.000062%); highest among the groups gnomAD compares: Non-Finnish European, 0.000085%; no homozygotes.

Submission:

Labcorp Genetics (formerly Invitae), Labcorp
Classification: Uncertain significance. Last evaluated: 2022-12-29. Review status: criteria provided, single submitter. Criteria: Invitae Variant Classification Sherloc (09022015). Collection method: clinical testing. Allele origin: germline.
Comment: This sequence change replaces aspartic acid, which is acidic and polar, with asparagine, which is neutral and polar, at codon 270 of the ITGAM protein (p.Asp270Asn). This variant is not present in population databases (gnomAD no frequency). This variant has not been reported in the literature in individuals affected with ITGAM-related conditions. ClinVar contains an entry for this variant (Variation ID: 1370915). Algorithms developed to predict the effect of missense changes on protein structure and function are either unavailable or do not agree on the potential impact of this missense change (SIFT: "Deleterious"; PolyPhen-2: "Possibly Damaging"; Align-GVGD: "Class C15"). In summary, the available evidence is currently insufficient to determine the role of this variant in disease. Therefore, it has been classified as a Variant of Uncertain Significance.

NM_000632.4(ITGAM):c.808G>A (p.Asp270Asn)

Genes: ITGAM (integrin subunit alpha M; plus strand), LOC126862332 (BRD4-independent group 4 enhancer GRCh37_chr16:31284654-31285853; plus strand). Cytogenetic location: 16p11.2.
Variant type: single nucleotide variant.
Coding change: c.808G>A on transcript NM_000632.4 (MANE Select); coding-DNA position 808, G replaced by A.
Protein change: p.Asp270Asn; replaces aspartic acid 270 with asparagine.
Molecular consequence: missense variant.
Genome position (GRCh38, 1-based): chr16:31,273,468, G>A. VCF-style: chr16-31273468-G-A. GRCh37 (hg19) VCF-style: chr16-31284789-G-A.
Other names: c.808G>A, p.Asp270Asn (NM_001145808.2); short protein forms D270N.
Identifiers: ClinVar variation 1370915 (VCV001370915.6), dbSNP rs2144297485, ClinGen allele CA395694920.